The following is an entry in ClinVar:

Conditions:
Long QT syndrome 5 (LQT5). Identifiers: Orphanet 101016, Orphanet 768, MedGen C1867904, MONDO:0013372, OMIM 613695.

Submission:

Roden Lab, Vanderbilt University Medical Center
No classification provided (evidence only). Condition: Long QT syndrome 5. Review status: no classification provided. Collection method: in vitro. Allele origin: not applicable. Functional consequence: Effect on ion channel function.
ClinVar note: "not provided" was previously submitted as the classification for the variant. However, the classification appeared to be based only on an observation of functional data so it was converted to no classification on 2025-07-30.

NM_000219.6(KCNE1):c.255T>G (p.Asp85Glu)

Gene: KCNE1 (potassium voltage-gated channel subfamily E regulatory subunit 1; minus strand). Cytogenetic location: 21q22.12.
Variant type: single nucleotide variant.
Coding change: c.255T>G on transcript NM_000219.6 (MANE Select); coding-DNA position 255, T replaced by G.
Protein change: p.Asp85Glu; replaces aspartic acid 85 with glutamic acid.
Molecular consequence: missense variant.
Genome position (GRCh38, 1-based): chr21:34,449,380, A>C on the plus strand (T>G on the coding strand, the complement: KCNE1 is on the minus strand). VCF-style: chr21-34449380-A-C. GRCh37 (hg19) VCF-style: chr21-35821678-A-C.
Other names: c.255T>G, p.Asp85Glu (NM_001127668.4, NM_001127669.4, NM_001127670.4 and 4 more transcripts); short protein forms D85E.
Identifiers: ClinVar variation 3374452 (VCV003374452.2).
Genomic context (GRCh38, chr21:34,449,380, plus strand): 5'-CGACCTGTAGCTCTCCAGGACCCGGGCCTGGACATAGGCCTTGTCCTTCTCTTGCCAGGC[A>C]TCGGACTCGATGTAGACGTTGAATGGGTCGTTCGAGTGCTCCAGCTTCTTGGAGCGGATG-3'
Protein context (NP_000210.2, residues 75-95): NDPFNVYIES[Asp85Glu]AWQEKDKAYV